The following is an entry in ClinVar:

NM_004369.4(COL6A3):c.1439A>G (p.Asp480Gly)

Gene: COL6A3 (collagen type VI alpha 3 chain; minus strand). Cytogenetic location: 2q37.3.
Variant type: single nucleotide variant.
Coding change: c.1439A>G on transcript NM_004369.4 (MANE Select); coding-DNA position 1439, A replaced by G.
Protein change: p.Asp480Gly; replaces aspartic acid 480 with glycine.
Molecular consequence: missense variant.
Genome position (GRCh38, 1-based): chr2:237,381,373, T>C on the plus strand (A>G on the coding strand, the complement: COL6A3 is on the minus strand). VCF-style: chr2-237381373-T-C. GRCh37 (hg19) VCF-style: chr2-238290016-T-C.
Other names: c.218A>G, p.Asp73Gly (NM_057164.5, NM_057166.5); c.821A>G, p.Asp274Gly (NM_057165.5, NM_057167.4); short protein forms D73G, D480G, D274G.
Identifiers: ClinVar variation 935005 (VCV000935005.10), dbSNP rs2078001580, ClinGen allele CA351218083.

ClinVar aggregate classification (germline): Uncertain significance (1 of 4 stars; one submission).

Conditions:
Bethlem myopathy 1A. Also called: Bethlem Muscular Dystrophy; MYOPATHY, BENIGN CONGENITAL, WITH CONTRACTURES; Bethlem myopathy 1. Identifiers: Orphanet 610, MedGen CN029274, MONDO:0024530, OMIM 158810.

Submission:

Labcorp Genetics (formerly Invitae), Labcorp
Classification: Uncertain significance for Bethlem myopathy 1A. Last evaluated: 2023-10-05. Review status: criteria provided, single submitter. Criteria: Invitae Variant Classification Sherloc (09022015). Collection method: clinical testing. Allele origin: germline.
Comment: This sequence change replaces aspartic acid, which is acidic and polar, with glycine, which is neutral and non-polar, at codon 480 of the COL6A3 protein (p.Asp480Gly). This variant is not present in population databases (gnomAD no frequency). This variant has not been reported in the literature in individuals affected with COL6A3-related conditions. ClinVar contains an entry for this variant (Variation ID: 935005). Advanced modeling of protein sequence and biophysical properties (such as structural, functional, and spatial information, amino acid conservation, physicochemical variation, residue mobility, and thermodynamic stability) performed at Invitae indicates that this missense variant is not expected to disrupt COL6A3 protein function. In summary, the available evidence is currently insufficient to determine the role of this variant in disease. Therefore, it has been classified as a Variant of Uncertain Significance.